The following is an entry in ClinVar:

NM_000718.4(CACNA1B):c.4668G>A (p.Ala1556=)

Gene: CACNA1B (calcium voltage-gated channel subunit alpha1 B; plus strand). Cytogenetic location: 9q34.3.
Variant type: single nucleotide variant.
Coding change: c.4668G>A on transcript NM_000718.4 (MANE Select); coding-DNA position 4668, G replaced by A.
Protein change: p.Ala1556=; no amino-acid change (alanine 1556 retained).
Molecular consequence: synonymous variant.
Genome position (GRCh38, 1-based): chr9:138,059,737, G>A. VCF-style: chr9-138059737-G-A. GRCh37 (hg19) VCF-style: chr9-140954189-G-A.
Other names: c.4668G>A, p.Ala1556= (NM_001243812.2).
Identifiers: ClinVar variation 2072748 (VCV002072748.4), dbSNP rs202096135, ClinGen allele CA201855681.

ClinVar aggregate classification (germline): Uncertain significance (1 of 4 stars; one submission).

Allele frequency attached by ClinVar (database versions not stated): gnomAD exomes 0.00001; TOPMed below 0.00001.
gnomAD v4.1: 13 of 1,572,230 alleles (0.00083%); highest among the groups gnomAD compares: East Asian, 0.0022%; no homozygotes.

Submission:

Labcorp Genetics (formerly Invitae), Labcorp
Classification: Uncertain significance. Last evaluated: 2023-10-09. Review status: criteria provided, single submitter. Criteria: Invitae Variant Classification Sherloc (09022015). Collection method: clinical testing. Allele origin: germline.
Comment: This sequence change affects codon 1556 of the CACNA1B mRNA. It is a 'silent' change, meaning that it does not change the encoded amino acid sequence of the CACNA1B protein. This variant also falls at the last nucleotide of exon 31, which is part of the consensus splice site for this exon. This variant is present in population databases (rs202096135, gnomAD 0.0009%). This variant has not been reported in the literature in individuals affected with CACNA1B-related conditions. ClinVar contains an entry for this variant (Variation ID: 2072748). Variants that disrupt the consensus splice site are a relatively common cause of aberrant splicing (PMID: 17576681, 9536098). Algorithms developed to predict the effect of sequence changes on RNA splicing suggest that this variant is not likely to affect RNA splicing. In summary, the available evidence is currently insufficient to determine the role of this variant in disease. Therefore, it has been classified as a Variant of Uncertain Significance.

Literature cited by the submitters: PubMed 17576681; PubMed 9536098.